The following is an entry in ClinVar:

ClinVar aggregate classification (germline): Uncertain significance (1 of 4 stars; one submission).

Conditions:
Inborn genetic diseases. Identifiers: MedGen C0950123, MeSH D030342.

Allele frequency attached by ClinVar (database versions not stated): TOPMed below 0.00001; gnomAD 0.00001.

Submission:

Ambry Genetics
Classification: Uncertain significance for Inborn genetic diseases. Last evaluated: 2023-11-03. Review status: criteria provided, single submitter. Criteria: Ambry Variant Classification Scheme 2023. Collection method: clinical testing. Allele origin: germline.
Comment: The p.M1944L variant (also known as c.5830A>T), located in coding exon 40 of the LRRK2 gene, results from an A to T substitution at nucleotide position 5830. The methionine at codon 1944 is replaced by leucine, an amino acid with highly similar properties. This amino acid position is conserved. In addition, the in silico prediction for this alteration is inconclusive. Since supporting evidence is limited at this time, the clinical significance of this alteration remains unclear.

NM_198578.4(LRRK2):c.5830A>T (p.Met1944Leu)

Gene: LRRK2 (leucine rich repeat kinase 2; plus strand). Cytogenetic location: 12q12.
Variant type: single nucleotide variant.
Coding change: c.5830A>T on transcript NM_198578.4 (MANE Select); coding-DNA position 5830, A replaced by T.
Protein change: p.Met1944Leu; replaces methionine 1944 with leucine.
Molecular consequence: missense variant.
Genome position (GRCh38, 1-based): chr12:40,335,039, A>T. VCF-style: chr12-40335039-A-T. GRCh37 (hg19) VCF-style: chr12-40728841-A-T.
Other names: short protein forms M1944L.
Identifiers: ClinVar variation 3229712 (VCV003229712.1), dbSNP rs1347362735, ClinGen allele CA384402066.